The following is an entry in ClinVar:

ClinVar aggregate classification (germline): Likely pathogenic (1 of 4 stars; one submission).

Conditions:
COL3A1-related disorder. Also called: COL3A1-related condition.

Submission:

PreventionGenetics, part of Exact Sciences
Classification: Likely pathogenic for COL3A1-related condition. Last evaluated: 2026-05-27. Review status: criteria provided, single submitter. Criteria: ACMG Guidelines, 2015. Collection method: clinical testing. Allele origin: germline.
Comment: The COL3A1 c.719G>A variant is predicted to result in the amino acid substitution p.Gly240Glu. This variant has been reported in the heterozygous state in an individual from a cohort of patients with spontaneous coronary artery dissection (Table 5, Antonutti et al. 2021. PubMed ID: 33190788). Alternate missense changes at the same amino acid position (p.Gly240Arg, Gly240Ala and Gly240Val) have also been reported in individuals with COL3A1-related disease (reported with the legacy nomenclature G73R in Pepin et al. 2000. PubMed ID: 10706896, p.Gly240Ala in Proost et al. 2015. PubMed ID: 25907466; and p.Gly240Val in Campens et al. 2015. PubMed ID: 25644172). The c.719G>A (p.Gly240Glu) variant has not been reported in a large population database (gnomAD), indicating this variant is rare. This variant is interpreted as likely pathogenic.

NM_000090.4(COL3A1):c.719G>A (p.Gly240Glu)

Gene: COL3A1 (collagen type III alpha 1 chain; plus strand). Cytogenetic location: 2q32.2.
Variant type: single nucleotide variant.
Coding change: c.719G>A on transcript NM_000090.4 (MANE Select); coding-DNA position 719, G replaced by A.
Protein change: p.Gly240Glu; replaces glycine 240 with glutamic acid.
Molecular consequence: missense variant.
Genome position (GRCh38, 1-based): chr2:188,990,124, G>A. VCF-style: chr2-188990124-G-A. GRCh37 (hg19) VCF-style: chr2-189854850-G-A.
Other names: short protein forms G240E.
Identifiers: ClinVar variation 4995498 (VCV004995498.1).